The following is an entry in ClinVar:

NM_001371194.2(SEMA4D):c.244C>T (p.Gln82Ter)

Gene: SEMA4D (semaphorin 4D; minus strand). Cytogenetic location: 9q22.2.
Variant type: single nucleotide variant.
Coding change: c.244C>T on transcript NM_001371194.2 (MANE Select); coding-DNA position 244, C replaced by T.
Protein change: p.Gln82Ter; replaces glutamine 82 with a stop codon.
Molecular consequence: nonsense. On other transcripts: non-coding transcript variant (6).
Genome position (GRCh38, 1-based): chr9:89,402,879, G>A on the plus strand (C>T on the coding strand, the complement: SEMA4D is on the minus strand). VCF-style: chr9-89402879-G-A. GRCh37 (hg19) VCF-style: chr9-92017794-G-A.
Other names: c.244C>T, p.Gln82Ter (NM_001142287.2, NM_001371195.1, NM_001371196.1 and 7 more transcripts); short protein forms Q82*.
Identifiers: ClinVar variation 2147762 (VCV002147762.4), dbSNP rs2133638999, ClinGen allele CA373796001.
Genomic context (GRCh38, chr9:89,402,879, plus strand): 5'-GCTGCCCACTCAAGCTGGGCTATGTGGACATGCAGGGGAGCCCAGGACGTACCTCATGCT[G>A]CTTCTCGGAGATGTTGAGTGCGTTCACAGCGAAGACCGCCTCCCGGGCACCTATGTACAA-3'

ClinVar aggregate classification (germline): Uncertain significance (1 of 4 stars; one submission).

Allele frequency attached by ClinVar (database versions not stated): gnomAD 0.00001.
gnomAD v4.1: 2 of 1,613,538 alleles (0.00012%); highest among the groups gnomAD compares: South Asian, 0.0022%; no homozygotes.

Submission:

Labcorp Genetics (formerly Invitae), Labcorp
Classification: Uncertain significance. Last evaluated: 2022-03-11. Review status: criteria provided, single submitter. Criteria: Invitae Variant Classification Sherloc (09022015). Collection method: clinical testing. Allele origin: germline.
Comment: In summary, the available evidence is currently insufficient to determine the role of this variant in disease. Therefore, it has been classified as a Variant of Uncertain Significance. This variant has not been reported in the literature in individuals affected with SEMA4D-related conditions. This variant is not present in population databases (gnomAD no frequency). This sequence change creates a premature translational stop signal (p.Gln82*) in the SEMA4D gene. It is expected to result in an absent or disrupted protein product. However, the current clinical and genetic evidence is not sufficient to establish whether loss-of-function variants in SEMA4D cause disease.